The following is an entry in ClinVar:

ClinVar aggregate classification (germline): Pathogenic. Review status: criteria provided, multiple submitters, no conflicts (2 of 4 stars). 2 submissions from 2 submitters: Pathogenic (2). Last evaluated 2022-01-07.

Conditions:
Cardiovascular phenotype. Identifiers: MedGen CN230736.
Dilated cardiomyopathy 1HH (CMD1HH). Identifiers: Orphanet 154, MedGen C3151293, MONDO:0013479, OMIM 613881.
Myofibrillar myopathy 6. Identifiers: Orphanet 199340, MedGen C2751831, MONDO:0013061, OMIM 612954.

Submissions (2):

Ambry Genetics
Classification: Pathogenic for Cardiovascular phenotype. Last evaluated: 2022-01-07. Review status: criteria provided, single submitter. Criteria: Ambry Variant Classification Scheme 2023. Collection method: clinical testing. Allele origin: germline.
Comment: The p.Q135* variant (also known as c.403C>T), located in coding exon 2 of the BAG3 gene, results from a C to T substitution at nucleotide position 403. This changes the amino acid from a glutamine to a stop codon within coding exon 2. This variant is considered to be rare based on population cohorts in the Genome Aggregation Database (gnomAD). This alteration is expected to result in loss of function by premature protein truncation or nonsense-mediated mRNA decay. As such, this alteration is interpreted as a disease-causing mutation.

Labcorp Genetics (formerly Invitae), Labcorp
Classification: Pathogenic for Dilated cardiomyopathy 1HH; Myofibrillar myopathy 6. Last evaluated: 2019-04-10. Review status: criteria provided, single submitter. Criteria: Invitae Variant Classification Sherloc (09022015). Collection method: clinical testing. Allele origin: germline.
Comment: For these reasons, this variant has been classified as Pathogenic. Loss-of-function variants in BAG3 are known to be pathogenic (PMID: 21353195, 25008357). This variant has not been reported in the literature in individuals with BAG3-related conditions. This variant is not present in population databases (ExAC no frequency). This sequence change creates a premature translational stop signal (p.Gln135*) in the BAG3 gene. It is expected to result in an absent or disrupted protein product.

Literature cited by the submitters: PubMed 21353195 (cited by Labcorp Genetics (formerly Invitae), Labcorp); PubMed 25008357 (cited by Labcorp Genetics (formerly Invitae), Labcorp).

NM_004281.4(BAG3):c.403C>T (p.Gln135Ter)

Gene: BAG3 (BAG cochaperone 3; plus strand). Cytogenetic location: 10q26.11.
Variant type: single nucleotide variant.
Coding change: c.403C>T on transcript NM_004281.4 (MANE Select); coding-DNA position 403, C replaced by T.
Protein change: p.Gln135Ter; replaces glutamine 135 with a stop codon.
Molecular consequence: nonsense.
Genome position (GRCh38, 1-based): chr10:119,670,073, C>T. VCF-style: chr10-119670073-C-T. GRCh37 (hg19) VCF-style: chr10-121429585-C-T.
Other names: short protein forms Q135*.
Identifiers: ClinVar variation 842686 (VCV000842686.9), dbSNP rs1847126002, ClinGen allele CA378295021.